The following is an entry in ClinVar:

ClinVar aggregate classification (germline): Uncertain significance (1 of 4 stars; one submission).

Submission:

Women's Health and Genetics/Laboratory Corporation of America, LabCorp
Classification: Uncertain significance. Last evaluated: 2025-01-06. Review status: criteria provided, single submitter. Criteria: LabCorp Variant Classification Summary - May 2015. Collection method: clinical testing. Allele origin: germline.
Comment: Variant summary: CHD8 c.4613T>C (p.Val1538Ala) results in a non-conservative amino acid change in the encoded protein sequence. Three of five in-silico tools predict a benign effect of the variant on protein function. The variant was absent in 249156 control chromosomes. The available data on variant occurrences in the general population are insufficient to allow any conclusion about variant significance. To our knowledge, no occurrence of c.4613T>C in individuals affected with CHD8-Related Disorders and no experimental evidence demonstrating its impact on protein function have been reported. No submitters have cited clinical-significance assessments for this variant to ClinVar. Based on the evidence outlined above, the variant was classified as uncertain significance.

NM_001170629.2(CHD8):c.4613T>C (p.Val1538Ala)

Gene: CHD8 (chromodomain helicase DNA binding protein 8; minus strand). Cytogenetic location: 14q11.2.
Variant type: single nucleotide variant.
Coding change: c.4613T>C on transcript NM_001170629.2 (MANE Select); coding-DNA position 4613, T replaced by C.
Protein change: p.Val1538Ala; replaces valine 1538 with alanine.
Molecular consequence: missense variant.
Genome position (GRCh38, 1-based): chr14:21,400,265, A>G on the plus strand (T>C on the coding strand, the complement: CHD8 is on the minus strand). VCF-style: chr14-21400265-A-G. GRCh37 (hg19) VCF-style: chr14-21868424-A-G.
Other names: c.3776T>C, p.Val1259Ala (NM_020920.4); short protein forms V1259A, V1538A.
Identifiers: ClinVar variation 3769275 (VCV003769275.2).